The following is an entry in ClinVar:

ClinVar aggregate classification (germline): Uncertain significance (1 of 4 stars; one submission).

Conditions:
Disseminated atypical mycobacterial infection. Identifiers: MedGen C0694566.

Allele frequency attached by ClinVar (database versions not stated): gnomAD exomes below 0.00001; TOPMed below 0.00001; ExAC 0.00001.
gnomAD v4.1: 8 of 1,607,036 alleles (0.0005%); highest among the groups gnomAD compares: Non-Finnish European, 0.00068%; no homozygotes.

Submission:

Labcorp Genetics (formerly Invitae), Labcorp
Classification: Uncertain significance for Disseminated atypical mycobacterial infection. Last evaluated: 2024-04-03. Review status: criteria provided, single submitter. Criteria: Invitae Variant Classification Sherloc (09022015). Collection method: clinical testing. Allele origin: germline.
Comment: This sequence change replaces alanine, which is neutral and non-polar, with valine, which is neutral and non-polar, at codon 76 of the IFNGR1 protein (p.Ala76Val). This variant is present in population databases (rs761991376, gnomAD 0.002%). This variant has not been reported in the literature in individuals affected with IFNGR1-related conditions. ClinVar contains an entry for this variant (Variation ID: 1380422). Advanced modeling of protein sequence and biophysical properties (such as structural, functional, and spatial information, amino acid conservation, physicochemical variation, residue mobility, and thermodynamic stability) performed at Invitae indicates that this missense variant is not expected to disrupt IFNGR1 protein function with a negative predictive value of 80%. In summary, the available evidence is currently insufficient to determine the role of this variant in disease. Therefore, it has been classified as a Variant of Uncertain Significance.

NM_000416.3(IFNGR1):c.227C>T (p.Ala76Val)

Gene: IFNGR1 (interferon gamma receptor 1; minus strand). Cytogenetic location: 6q23.3.
Variant type: single nucleotide variant.
Coding change: c.227C>T on transcript NM_000416.3 (MANE Select); coding-DNA position 227, C replaced by T.
Protein change: p.Ala76Val; replaces alanine 76 with valine.
Molecular consequence: missense variant.
Genome position (GRCh38, 1-based): chr6:137,206,282, G>A on the plus strand (C>T on the coding strand, the complement: IFNGR1 is on the minus strand). VCF-style: chr6-137206282-G-A. GRCh37 (hg19) VCF-style: chr6-137527419-G-A.
Other names: c.197C>T, p.Ala66Val (NM_001363526.1); c.104C>T, p.Ala35Val (NM_001363527.1); short protein forms A66V, A76V, A35V.
Identifiers: ClinVar variation 1380422 (VCV001380422.6), dbSNP rs761991376, ClinGen allele CA4019005.